The following is an entry in ClinVar:

NM_006496.4(GNAI3):c.146T>C (p.Ile49Thr)

Gene: GNAI3 (G protein subunit alpha i3; plus strand). Cytogenetic location: 1p13.3.
Variant type: single nucleotide variant.
Coding change: c.146T>C on transcript NM_006496.4 (MANE Select); coding-DNA position 146, T replaced by C.
Protein change: p.Ile49Thr; replaces isoleucine 49 with threonine.
Molecular consequence: missense variant.
Genome position (GRCh38, 1-based): chr1:109,573,764, T>C. VCF-style: chr1-109573764-T-C. GRCh37 (hg19) VCF-style: chr1-110116386-T-C.
Other names: short protein forms I49T.
Identifiers: ClinVar variation 548497 (VCV000548497.6), dbSNP rs1553223899, ClinGen allele CA341537831.

ClinVar aggregate classification (germline): Uncertain significance. Review status: criteria provided, multiple submitters, no conflicts (2 of 4 stars). 2 submissions from 2 submitters: Uncertain significance (2). Last evaluated 2022-01-03.

Conditions:
Auriculocondylar syndrome 1 (ARCND1). Identifiers: Orphanet 137888, MedGen C4551996, MONDO:0011234, OMIM 602483.

Allele frequency attached by ClinVar (database versions not stated): gnomAD exomes below 0.00001.
gnomAD v4.1: 1 of 1,612,532 alleles (0.000062%); highest among the groups gnomAD compares: African/African-American, 0.0013%; no homozygotes.

Submissions (2):

3billion
Classification: Uncertain significance for Auriculocondylar syndrome 1. Last evaluated: 2022-01-03. Review status: criteria provided, single submitter. Criteria: ACMG Guidelines, 2015. Collection method: clinical testing. Allele origin: germline. Affected: yes. Observed: 1 heterozygote.
Comment: The variant not observed in the gnomAD v2.1.1 dataset (PM2_M). In silico tool predictions suggest damaging effect of the variant on gene or gene product (REVEL: 0.881, 3CNET: 0.828, PP3_P). A missense variant is a common mechanism associated with Auriculocondylar syndrome 1 (PP2_P). Therefore, this variant is classified as uncertain significance according to the recommendation of ACMG/AMP guideline.

Genomic Research Center, Shahid Beheshti University of Medical Sciences
Classification: Uncertain significance for Auriculocondylar syndrome. Last evaluated: 2018-03-05. Review status: criteria provided, single submitter. Criteria: ACMG Guidelines, 2015. Collection method: clinical testing. Allele origin: inherited. Affected: yes. Observed: 1 variant allele.